The following is an entry in ClinVar:

ClinVar aggregate classification (germline): Uncertain significance (1 of 4 stars; one submission).

Allele frequency attached by ClinVar (database versions not stated): TOPMed below 0.00001.
gnomAD v4.1: 4 of 1,614,174 alleles (0.00025%); highest among the groups gnomAD compares: Non-Finnish European, 0.00034%; no homozygotes.

Submission:

Labcorp Genetics (formerly Invitae), Labcorp
Classification: Uncertain significance. Last evaluated: 2022-05-19. Review status: criteria provided, single submitter. Criteria: Invitae Variant Classification Sherloc (09022015). Collection method: clinical testing. Allele origin: germline.
Comment: In summary, the available evidence is currently insufficient to determine the role of this variant in disease. Therefore, it has been classified as a Variant of Uncertain Significance. Advanced modeling of protein sequence and biophysical properties (such as structural, functional, and spatial information, amino acid conservation, physicochemical variation, residue mobility, and thermodynamic stability) performed at Invitae indicates that this missense variant is not expected to disrupt CPLANE1 protein function. This variant has not been reported in the literature in individuals affected with CPLANE1-related conditions. This variant is present in population databases (no rsID available, gnomAD 0.004%). This sequence change replaces serine, which is neutral and polar, with cysteine, which is neutral and slightly polar, at codon 2332 of the CPLANE1 protein (p.Ser2332Cys).

NM_001384732.1(CPLANE1):c.6995C>G (p.Ser2332Cys)

Gene: CPLANE1 (ciliogenesis and planar polarity effector complex subunit 1; minus strand). Cytogenetic location: 5p13.2.
Variant type: single nucleotide variant.
Coding change: c.6995C>G on transcript NM_001384732.1 (MANE Select); coding-DNA position 6995, C replaced by G.
Protein change: p.Ser2332Cys; replaces serine 2332 with cysteine.
Molecular consequence: missense variant.
Genome position (GRCh38, 1-based): chr5:37,169,029, G>C on the plus strand (C>G on the coding strand, the complement: CPLANE1 is on the minus strand). VCF-style: chr5-37169029-G-C. GRCh37 (hg19) VCF-style: chr5-37169131-G-C.
Other names: c.6995C>G, p.Ser2332Cys (NM_023073.4); short protein forms S2332C.
Identifiers: ClinVar variation 2163445 (VCV002163445.4), dbSNP rs1206955333, ClinGen allele CA359478779.